The following is an entry in ClinVar:

ClinVar aggregate classification (germline): Uncertain significance (1 of 4 stars; one submission).

Conditions:
Dystonia 12 (DYT12). Also called: DYT-ATP1A3; Rapid-Onset Dystonia-Parkinsonism (RDP). Identifiers: Orphanet 71517, MedGen C1868681, MONDO:0007496, OMIM 128235.

Submission:

Labcorp Genetics (formerly Invitae), Labcorp
Classification: Uncertain significance for Dystonia 12. Last evaluated: 2024-10-07. Review status: criteria provided, single submitter. Criteria: Invitae Variant Classification Sherloc (09022015). Collection method: clinical testing. Allele origin: germline.
Comment: This sequence change replaces serine, which is neutral and polar, with alanine, which is neutral and non-polar, at codon 509 of the ATP1A3 protein (p.Ser509Ala). This variant is not present in population databases (gnomAD no frequency). This variant has not been reported in the literature in individuals affected with ATP1A3-related conditions. An algorithm developed to predict the effect of missense changes on protein structure and function outputs the following: PolyPhen-2: "Benign". The alanine amino acid residue is found in multiple mammalian species, which suggests that this missense change does not adversely affect protein function. In summary, the available evidence is currently insufficient to determine the role of this variant in disease. Therefore, it has been classified as a Variant of Uncertain Significance.

NM_152296.5(ATP1A3):c.1525T>G (p.Ser509Ala)

Gene: ATP1A3 (ATPase Na+/K+ transporting subunit alpha 3; minus strand). Cytogenetic location: 19q13.2.
Variant type: single nucleotide variant.
Coding change: c.1525T>G on transcript NM_152296.5 (MANE Select); coding-DNA position 1525, T replaced by G.
Protein change: p.Ser509Ala; replaces serine 509 with alanine.
Molecular consequence: missense variant.
Genome position (GRCh38, 1-based): chr19:41,978,711, A>C on the plus strand (T>G on the coding strand, the complement: ATP1A3 is on the minus strand). VCF-style: chr19-41978711-A-C. GRCh37 (hg19) VCF-style: chr19-42482863-A-C.
Other names: c.1558T>G, p.Ser520Ala (NM_001256213.2); c.1564T>G, p.Ser522Ala (NM_001256214.2); short protein forms S520A, S509A, S522A.
Identifiers: ClinVar variation 2704542 (VCV002704542.3), dbSNP rs2514056593, ClinGen allele CA406047036.